The following is an entry in ClinVar:

ClinVar aggregate classification (germline): Uncertain significance. Review status: criteria provided, multiple submitters, no conflicts (2 of 4 stars). 2 submissions from 2 submitters: Uncertain significance (2). Last evaluated 2025-02-04.

Submissions (2):

Ambry Genetics
Classification: Uncertain significance. Last evaluated: 2025-02-04. Review status: criteria provided, single submitter. Criteria: Ambry Variant Classification Scheme 2023. Collection method: clinical testing. Allele origin: germline.

Labcorp Genetics (formerly Invitae), Labcorp
Classification: Uncertain significance. Last evaluated: 2023-10-13. Review status: criteria provided, single submitter. Criteria: Invitae Variant Classification Sherloc (09022015). Collection method: clinical testing. Allele origin: germline.
Comment: This sequence change replaces arginine with proline at codon 65 of the GINS1 protein (p.Arg65Pro). The arginine residue is highly conserved and there is a moderate physicochemical difference between arginine and proline. This variant is not present in population databases (gnomAD no frequency). This variant has not been reported in the literature in individuals affected with GINS1-related conditions. ClinVar contains an entry for this variant (Variation ID: 1361395). An algorithm developed to predict the effect of missense changes on protein structure and function (PolyPhen-2) suggests that this variant is likely to be disruptive. In summary, the available evidence is currently insufficient to determine the role of this variant in disease. Therefore, it has been classified as a Variant of Uncertain Significance.

NM_021067.5(GINS1):c.194G>C (p.Arg65Pro)

Gene: GINS1 (GINS complex subunit 1; plus strand). Cytogenetic location: 20p11.21.
Variant type: single nucleotide variant.
Coding change: c.194G>C on transcript NM_021067.5 (MANE Select); coding-DNA position 194, G replaced by C.
Protein change: p.Arg65Pro; replaces arginine 65 with proline.
Molecular consequence: missense variant. On other transcripts: non-coding transcript variant (1).
Genome position (GRCh38, 1-based): chr20:25,417,157, G>C. VCF-style: chr20-25417157-G-C. GRCh37 (hg19) VCF-style: chr20-25397793-G-C.
Other names: c.194G>C (NM_021067.3); short protein forms R65P.
Identifiers: ClinVar variation 1361395 (VCV001361395.9), dbSNP rs186289957, ClinGen allele CA408447390.